The following is an entry in ClinVar:

NM_000052.7(ATP7A):c.1982G>A (p.Cys661Tyr)

Gene: ATP7A (ATPase copper transporting alpha; plus strand). Cytogenetic location: Xq21.1.
Variant type: single nucleotide variant.
Coding change: c.1982G>A on transcript NM_000052.7 (MANE Select); coding-DNA position 1982, G replaced by A.
Protein change: p.Cys661Tyr; replaces cysteine 661 with tyrosine.
Molecular consequence: missense variant.
Genome position (GRCh38, 1-based): chrX:78,011,484, G>A. VCF-style: chrX-78011484-G-A. GRCh37 (hg19) VCF-style: chrX-77266981-G-A.
Other names: c.1982G>A, p.Cys661Tyr (NM_001282224.2); short protein forms C661Y.
Identifiers: ClinVar variation 2942544 (VCV002942544.3), dbSNP rs1209949067, ClinGen allele CA413598144.

ClinVar aggregate classification (germline): Uncertain significance (1 of 4 stars; one submission).

Conditions:
Menkes kinky-hair syndrome (MNK). Also called: Copper transport disease; Menkes Disease; Classic Menkes Disease. Identifiers: Orphanet 565, MedGen C0022716, MONDO:0010651, OMIM 309400.
Cutis laxa, X-linked (OHS). Also called: EDS IX; Occipital horn syndrome. Identifiers: Orphanet 198, MedGen C0268353, MONDO:0010572, OMIM 304150.
X-linked distal spinal muscular atrophy type 3. Also called: ATP7A-Related Distal Motor Neuropathy; SPINAL MUSCULAR ATROPHY, DISTAL, X-LINKED RECESSIVE; NEURONOPATHY, DISTAL HEREDITARY MOTOR, X-LINKED; NEUROPATHY, DISTAL HEREDITARY MOTOR, X-LINKED. Identifiers: Orphanet 139557, MedGen C1845359, MONDO:0010338, OMIM 300489.

Submission:

Labcorp Genetics (formerly Invitae), Labcorp
Classification: Uncertain significance for X-linked distal spinal muscular atrophy type 3; Cutis laxa, X-linked; Menkes kinky-hair syndrome. Last evaluated: 2022-12-21. Review status: criteria provided, single submitter. Criteria: Invitae Variant Classification Sherloc (09022015). Collection method: clinical testing. Allele origin: germline.
Comment: In summary, the available evidence is currently insufficient to determine the role of this variant in disease. Therefore, it has been classified as a Variant of Uncertain Significance. Advanced modeling of protein sequence and biophysical properties (such as structural, functional, and spatial information, amino acid conservation, physicochemical variation, residue mobility, and thermodynamic stability) performed at Invitae indicates that this missense variant is not expected to disrupt ATP7A protein function. This variant has not been reported in the literature in individuals affected with ATP7A-related conditions. This variant is not present in population databases (gnomAD no frequency). This sequence change replaces cysteine, which is neutral and slightly polar, with tyrosine, which is neutral and polar, at codon 661 of the ATP7A protein (p.Cys661Tyr).